The following is an entry in ClinVar:

NM_002292.4(LAMB2):c.5061G>T (p.Thr1687=)

Gene: LAMB2 (laminin subunit beta 2; minus strand). Cytogenetic location: 3p21.31.
Variant type: single nucleotide variant.
Coding change: c.5061G>T on transcript NM_002292.4 (MANE Select); coding-DNA position 5061, G replaced by T.
Protein change: p.Thr1687=; no amino-acid change (threonine 1687 retained).
Molecular consequence: synonymous variant.
Genome position (GRCh38, 1-based): chr3:49,121,723, C>A on the plus strand (G>T on the coding strand, the complement: LAMB2 is on the minus strand). VCF-style: chr3-49121723-C-A. GRCh37 (hg19) VCF-style: chr3-49159156-C-A.
Identifiers: ClinVar variation 472492 (VCV000472492.13), dbSNP rs150465100, ClinGen allele CA2393620.

ClinVar aggregate classification (germline): Benign/Likely benign. Review status: criteria provided, multiple submitters, no conflicts (2 of 4 stars). 5 submissions from 4 submitters: Benign (2); Likely benign (3). Last evaluated 2025-10-14.

Conditions:
Pierson syndrome. Also called: MICROCORIA-CONGENITAL NEPHROTIC SYNDROME. Identifiers: Orphanet 2670, MedGen C1836876, MONDO:0012184, OMIM 609049.
LAMB2-related infantile-onset nephrotic syndrome. Also called: NEPHROTIC SYNDROME, TYPE 5, WITHOUT OCULAR ABNORMALITIES; NEPHROTIC SYNDROME, TYPE 5, WITH OCULAR ABNORMALITIES; Nephrotic Syndrome, type 5. Identifiers: Orphanet 306507, MedGen C3280113, MONDO:0013621, OMIM 614199.

Allele frequency attached by ClinVar (database versions not stated): 1000 Genomes Project 0.00040; 1000 Genomes Project 30x 0.00078.
gnomAD v4.1: 491 of 1,613,970 alleles (0.03%); highest among the groups gnomAD compares: South Asian, 0.51%; 9 homozygotes.

Submissions (5):

Labcorp Genetics (formerly Invitae), Labcorp
Classification: Benign for LAMB2-related infantile-onset nephrotic syndrome; Pierson syndrome. Last evaluated: 2025-10-14. Review status: criteria provided, single submitter. Criteria: Invitae Variant Classification Sherloc (09022015). Collection method: clinical testing. Allele origin: germline.

Fulgent Genetics
Classification: Likely benign for Pierson syndrome; LAMB2-related infantile-onset nephrotic syndrome. Last evaluated: 2022-02-11. Review status: criteria provided, single submitter. Criteria: ACMG Guidelines, 2015. Collection method: clinical testing. Allele origin: unknown.

Athena Diagnostics
Classification: Benign. Last evaluated: 2019-11-26. Review status: criteria provided, single submitter. Criteria: Athena Diagnostics Criteria. Collection method: clinical testing. Allele origin: unknown.

Illumina Laboratory Services, Illumina
Classification: Likely benign for Pierson syndrome. Last evaluated: 2018-01-12. Review status: criteria provided, single submitter. Criteria: ICSL Variant Classification Criteria 13 December 2019. Collection method: clinical testing. Allele origin: germline.
Comment: This variant was observed in the ICSL laboratory as part of a predisposition screen in an ostensibly healthy population. It had not been previously curated by ICSL or reported in the Human Gene Mutation Database (HGMD: prior to June 1st, 2018), and was therefore a candidate for classification through an automated scoring system. Utilizing variant allele frequency, disease prevalence and penetrance estimates, and inheritance mode, an automated score was calculated to assess if this variant is too frequent to cause the disease. Based on the score and internal cut-off values, a variant classified as likely benign is not then subjected to further curation. The score for this variant resulted in a classification of likely benign for this disease.

Illumina Laboratory Services, Illumina
Classification: Likely benign for LAMB2-related infantile-onset nephrotic syndrome. Last evaluated: 2018-01-12. Review status: criteria provided, single submitter. Criteria: ICSL Variant Classification Criteria 13 December 2019. Collection method: clinical testing. Allele origin: germline.
Comment: the same text as in the submission from Illumina Laboratory Services, Illumina above.